The following is an entry in ClinVar:

NM_001042492.3(NF1):c.4986G>A (p.Trp1662Ter)

Gene: NF1 (neurofibromin 1; plus strand). Cytogenetic location: 17q11.2.
Variant type: single nucleotide variant.
Coding change: c.4986G>A on transcript NM_001042492.3 (MANE Select); coding-DNA position 4986, G replaced by A.
Protein change: p.Trp1662Ter; replaces tryptophan 1662 with a stop codon.
Molecular consequence: nonsense.
Genome position (GRCh38, 1-based): chr17:31,325,970, G>A. VCF-style: chr17-31325970-G-A. GRCh37 (hg19) VCF-style: chr17-29652988-G-A.
Other names: c.4923G>A, p.Trp1641Ter (NM_000267.4); short protein forms W1641*, W1662*.
Identifiers: ClinVar variation 1048716 (VCV001048716.14), dbSNP rs2151538007, ClinGen allele CA399007256.

ClinVar aggregate classification (germline): Pathogenic. Review status: criteria provided, multiple submitters, no conflicts (2 of 4 stars). 8 submissions from 8 submitters: Pathogenic (7). 1 of the submissions does not count toward it. Last evaluated 2026-02-23.

Conditions:
Neurofibromatosis, type 1 (NF1). Also called: Neurofibromatosis, type I; NEUROFIBROMATOSIS, TYPE I, SOMATIC; VON RECKLINGHAUSEN DISEASE; Peripheral type neurofibromatosis. Identifiers: Orphanet 636, MedGen C0027831, MONDO:0018975, OMIM 162200. Disease mechanism: loss of function.
NF1-related disorder. Also called: NF1-related condition. Identifiers: MedGen CN379171.
Cardiovascular phenotype. Identifiers: MedGen CN230736.
Hereditary cancer-predisposing syndrome. Also called: Hereditary Cancer Syndrome; Tumor predisposition; Hereditary neoplastic syndrome; Neoplastic Syndromes, Hereditary. Identifiers: Orphanet 140162, MedGen C0027672, MeSH D009386, MONDO:0015356.
Neurofibromatosis, familial spinal (FSNF). Identifiers: Orphanet 636, MedGen C1834235, MONDO:0008078, OMIM 162210. Disease mechanism: loss of function.
Juvenile myelomonocytic leukemia (JMML). Also called: LEUKEMIA, JUVENILE MYELOMONOCYTIC, SOMATIC. Identifiers: Orphanet 86834, MedGen C0349639, MONDO:0011908, OMIM 607785, HP:0012209.

Submissions (8):

Praxis Für Humangenetik, Biosciencia MVZ Labor Saar
Classification: Pathogenic for Neurofibromatosis, familial spinal. Last evaluated: 2026-02-23. Review status: criteria provided, single submitter. Criteria: ACMG Guidelines, 2015. Collection method: clinical testing. Allele origin: germline. Inheritance: Autosomal dominant inheritance. Affected: yes.

Labcorp Genetics (formerly Invitae), Labcorp
Classification: Pathogenic for Neurofibromatosis, type 1. Last evaluated: 2024-08-31. Review status: criteria provided, single submitter. Criteria: Invitae Variant Classification Sherloc (09022015). Collection method: clinical testing. Allele origin: germline.
Comment: This sequence change creates a premature translational stop signal (p.Trp1641*) in the NF1 gene. It is expected to result in an absent or disrupted protein product. Loss-of-function variants in NF1 are known to be pathogenic (PMID: 10712197, 23913538). This variant is not present in population databases (gnomAD no frequency). This premature translational stop signal has been observed in individual(s) with neurofibromatosis type 1 (PMID: 30308447). This variant is also known as p.Trp1662*. ClinVar contains an entry for this variant (Variation ID: 1048716). For these reasons, this variant has been classified as Pathogenic.

Baylor Genetics
Classification: Pathogenic for Juvenile myelomonocytic leukemia. Last evaluated: 2023-03-24. Review status: criteria provided, single submitter. Criteria: ACMG Guidelines, 2015. Collection method: clinical testing. Allele origin: unknown.

Ambry Genetics
Classification: Pathogenic for Cardiovascular phenotype; Hereditary cancer-predisposing syndrome. Last evaluated: 2022-12-29. Review status: criteria provided, single submitter. Criteria: Ambry Variant Classification Scheme 2023. Collection method: clinical testing. Allele origin: germline.
Comment: The p.W1641* pathogenic mutation (also known as c.4923G>A), located in coding exon 36 of the NF1 gene, results from a G to A substitution at nucleotide position 4923. This changes the amino acid from a tryptophan to a stop codon within coding exon 36. This alteration was identified in an individual with a clinical diagnosis of neurofibromatosis type 1 (NF1) (Napolitano F et al. Genes (Basel), 2022 Jun;13:). This variant is considered to be rare based on population cohorts in the Genome Aggregation Database (gnomAD). In addition to the clinical data presented in the literature, this alteration is expected to result in loss of function by premature protein truncation or nonsense-mediated mRNA decay. As such, this alteration is interpreted as a disease-causing mutation.

Genome-Nilou Lab
Classification: Pathogenic for Neurofibromatosis, type 1. Last evaluated: 2022-03-15. Review status: criteria provided, single submitter. Criteria: ACMG Guidelines, 2015. Collection method: clinical testing. Allele origin: germline. Affected: no.

Blueprint Genetics
Classification: Pathogenic for NF1-related disorders. Last evaluated: 2021-08-30. Review status: criteria provided, single submitter. Criteria: ACMG Guidelines, 2015. Collection method: clinical testing. Allele origin: germline. Affected: yes. Observed: 1 variant allele.

GeneDx
Classification: Pathogenic. Last evaluated: 2020-03-10. Review status: criteria provided, single submitter. Criteria: GeneDx Variant Classification Process June 2021. Collection method: clinical testing. Allele origin: germline. Affected: yes.
Comment: Nonsense variant predicted to result in protein truncation or nonsense mediated decay in a gene for which loss-of-function is a known mechanism of disease; Not observed at a significant frequency in large population cohorts (Lek 2016); Identified in individuals with NF1 referred for genetic testing at GeneDx and in the published literature (Paulo 2017); This variant is associated with the following publications: (PMID: 30308447, 28529006)

Laboratory of Medical Genetics, National & Kapodistrian University of Athens
Classification: Pathogenic for Neurofibromatosis, type 1. Last evaluated: 2019-01-01. Review status: no assertion criteria provided. Collection method: clinical testing. Allele origin: germline. Affected: yes. Not counted in ClinVar's aggregate classification.

Literature cited by the submitters: PubMed 10712197 (cited by Labcorp Genetics (formerly Invitae), Labcorp); PubMed 23913538 (cited by Labcorp Genetics (formerly Invitae), Labcorp); PubMed 30308447 (cited by Labcorp Genetics (formerly Invitae), Labcorp).